The following is an entry in ClinVar:

NM_000719.7(CACNA1C):c.1496A>T (p.Lys499Met)

Gene: CACNA1C (calcium voltage-gated channel subunit alpha1 C; plus strand). Cytogenetic location: 12p13.33.
Variant type: single nucleotide variant.
Coding change: c.1496A>T on transcript NM_000719.7 (MANE Select); coding-DNA position 1496, A replaced by T.
Protein change: p.Lys499Met; replaces lysine 499 with methionine.
Molecular consequence: missense variant.
Genome position (GRCh38, 1-based): chr12:2,556,965, A>T. VCF-style: chr12-2556965-A-T. GRCh37 (hg19) VCF-style: chr12-2666131-A-T.
Other names: c.1496A>T, p.Lys499Met (NM_001129835.2, NM_001129836.2, NM_001129837.2 and 18 more transcripts); c.1487A>T, p.Lys496Met (NM_001129844.2); short protein forms K499M, K496M.
Identifiers: ClinVar variation 2813079 (VCV002813079.3), dbSNP rs2044662087, ClinGen allele CA383368337.
Genomic context (GRCh38, chr12:2,556,965, plus strand): 5'-CACGTGTGTGTCCATCCTTTGGTAACATTTCCTTTTTCTTTTTCAGCCACCGGATCTCCA[A>T]GTCAAAGTTCAGGTGAGTGAGACTCACGCTGCTCTTCCTTCCTTCTGCCACCAGCTCTGT-3'
Protein context (NP_000710.5, residues 489-509): CGARLAHRIS[Lys499Met]SKFSRYWRRW

ClinVar aggregate classification (germline): Uncertain significance (1 of 4 stars; one submission).

Conditions:
Long QT syndrome (LQTS). Identifiers: MedGen C0023976, MeSH D008133, MONDO:0002442. Disease mechanism: loss of function. Inheritance: Various modes of inheritance.

gnomAD v4.1: 1 of 1,613,058 alleles (0.000062%); no homozygotes.

Submission:

Labcorp Genetics (formerly Invitae), Labcorp
Classification: Uncertain significance for Long QT syndrome. Last evaluated: 2022-11-09. Review status: criteria provided, single submitter. Criteria: Invitae Variant Classification Sherloc (09022015). Collection method: clinical testing. Allele origin: germline.
Comment: Advanced modeling of protein sequence and biophysical properties (such as structural, functional, and spatial information, amino acid conservation, physicochemical variation, residue mobility, and thermodynamic stability) has been performed at Invitae for this missense variant, however the output from this modeling did not meet the statistical confidence thresholds required to predict the impact of this variant on CACNA1C protein function. In summary, the available evidence is currently insufficient to determine the role of this variant in disease. Therefore, it has been classified as a Variant of Uncertain Significance. This variant has not been reported in the literature in individuals affected with CACNA1C-related conditions. This variant is not present in population databases (gnomAD no frequency). This sequence change replaces lysine, which is basic and polar, with methionine, which is neutral and non-polar, at codon 499 of the CACNA1C protein (p.Lys499Met).